The following is an entry in ClinVar:

ClinVar aggregate classification (germline): Benign. Review status: criteria provided, multiple submitters, no conflicts (2 of 4 stars). 4 submissions from 4 submitters: Benign (4). Last evaluated 2019-11-26.

Conditions:
Arthrogryposis, distal, type 1B. Identifiers: Orphanet 1146, MedGen C3280526, MONDO:0013698, OMIM 614335.

Allele frequency attached by ClinVar (database versions not stated): TOPMed 0.02600; ESP Exome Variant Server 0.00923; gnomAD 0.02631 and 0.01947; 1000 Genomes Project 0.08686; 1000 Genomes Project 30x 0.08276.
gnomAD v4.1: 42,624 of 1,613,996 alleles (2.6%); highest among the groups gnomAD compares: East Asian, 26%; 2,496 homozygotes.

Submissions (4):

GeneDx
Classification: Benign. Last evaluated: 2019-11-26. Review status: criteria provided, single submitter. Criteria: GeneDx Variant Classification Process June 2021. Collection method: clinical testing. Allele origin: germline. Affected: yes.

Illumina Laboratory Services, Illumina
Classification: Benign for Arthrogryposis, distal, type 1B. Last evaluated: 2018-01-13. Review status: criteria provided, single submitter. Criteria: ICSL Variant Classification Criteria 13 December 2019. Collection method: clinical testing. Allele origin: germline.
Comment: This variant was observed in the ICSL laboratory as part of a predisposition screen in an ostensibly healthy population. It had not been previously curated by ICSL or reported in the Human Gene Mutation Database (HGMD: prior to June 1st, 2018), and was therefore a candidate for classification through an automated scoring system. Utilizing variant allele frequency, disease prevalence and penetrance estimates, and inheritance mode, an automated score was calculated to assess if this variant is too frequent to cause the disease. Based on the score and internal cut-off values, a variant classified as benign is not then subjected to further curation. The score for this variant resulted in a classification of benign for this disease.

Breakthrough Genomics
Classification: Benign. Review status: criteria provided, single submitter. Criteria: ACMG Guidelines, 2015. Collection method: not provided. Allele origin: germline. Inheritance: Autosomal recessive inheritance. Affected: yes.

PreventionGenetics, part of Exact Sciences
Classification: Benign. Review status: criteria provided, single submitter. Criteria: ACMG Guidelines, 2015. Collection method: clinical testing. Allele origin: germline.

NM_002465.4(MYBPC1):c.2809+12T>C

Gene: MYBPC1 (myosin binding protein C1; plus strand). Cytogenetic location: 12q23.2.
Variant type: single nucleotide variant.
Coding change: c.2809+12T>C on transcript NM_002465.4 (MANE Select); 12 bases into the intron after coding-DNA position 2809, T replaced by C.
Molecular consequence: intron variant.
Genome position (GRCh38, 1-based): chr12:101,673,634, T>C. VCF-style: chr12-101673634-T-C. GRCh37 (hg19) VCF-style: chr12-102067412-T-C.
Other names: c.2809+12T>C (NM_206819.4, NM_001404675.1); c.2788+12T>C (NM_001254718.3, NM_206820.4); c.2734+12T>C (NM_001254719.3, NM_206821.4); c.2677+12T>C (NM_001254721.3, NM_001404678.1, NM_001404676.1); c.2698+12T>C (NM_001254720.3); c.2695+12T>C (NM_001254723.3); c.2656+12T>C (NM_001254722.3, NM_001404680.1); c.2599+12T>C (NM_001404679.1, NM_001404681.1, NM_001404677.1).
Identifiers: ClinVar variation 258663 (VCV000258663.11), dbSNP rs11110952, ClinGen allele CA6745219.